The following is an entry in ClinVar:

NM_001077418.3(TMEM231):c.7C>G (p.Leu3Val)

Gene: TMEM231 (transmembrane protein 231; minus strand). Cytogenetic location: 16q23.1.
Variant type: single nucleotide variant.
Coding change: c.7C>G on transcript NM_001077418.3 (MANE Select); coding-DNA position 7, C replaced by G.
Protein change: p.Leu3Val; replaces leucine 3 with valine.
Molecular consequence: missense variant. On other transcripts: synonymous variant (1), non-coding transcript variant (1).
Genome position (GRCh38, 1-based): chr16:75,556,203, G>C on the plus strand (C>G on the coding strand, the complement: TMEM231 is on the minus strand). VCF-style: chr16-75556203-G-C. GRCh37 (hg19) VCF-style: chr16-75590101-G-C.
Other names: c.69C>G, p.Arg23= (NM_001077416.2); c.7C>G (NM_001077418.1, NM_001077418.2); short protein forms L3V.
Identifiers: ClinVar variation 380470 (VCV000380470.17), dbSNP rs371709760, ClinGen allele CA8176321.

ClinVar aggregate classification (germline): Conflicting classifications of pathogenicity. Review status: criteria provided, conflicting classifications (1 of 4 stars). 5 submissions from 5 submitters: Uncertain significance (1); Likely benign (3). 1 of the submissions does not count toward it. Last evaluated 2026-02-01.

Conditions:
TMEM231-related disorder. Also called: TMEM231-related condition.
Inborn genetic diseases. Identifiers: MedGen C0950123, MeSH D030342.
Meckel syndrome, type 11 (MKS11). Identifiers: Orphanet 564, MedGen C3809352, MONDO:0014164, OMIM 615397.
Joubert syndrome 20 (JBTS20). Identifiers: Orphanet 475, MedGen C3554235, MONDO:0013994, OMIM 614970.

Allele frequency attached by ClinVar (database versions not stated): ESP Exome Variant Server 0.00009; gnomAD exomes 0.00011; ExAC 0.00024; gnomAD 0.00037 and 0.00039; 1000 Genomes Project 0.00040; TOPMed 0.00051; 1000 Genomes Project 30x 0.00062.

Submissions (5):

Labcorp Genetics (formerly Invitae), Labcorp
Classification: Likely benign for Joubert syndrome 20; Meckel syndrome, type 11. Last evaluated: 2026-02-01. Review status: criteria provided, single submitter. Criteria: Invitae Variant Classification Sherloc (09022015). Collection method: clinical testing. Allele origin: germline.

Blueprint Genetics
Classification: Likely benign. Last evaluated: 2024-10-02. Review status: criteria provided, single submitter. Criteria: ACMG Guidelines, 2015. Collection method: clinical testing. Allele origin: germline.

Ambry Genetics
Classification: Uncertain significance for Inborn genetic diseases. Last evaluated: 2022-08-01. Review status: criteria provided, single submitter. Criteria: Ambry Variant Classification Scheme 2023. Collection method: clinical testing. Allele origin: germline.

GeneDx
Classification: Likely benign. Last evaluated: 2020-05-18. Review status: criteria provided, single submitter. Criteria: GeneDx Variant Classification Process June 2021. Collection method: clinical testing. Allele origin: germline. Affected: yes.

PreventionGenetics, part of Exact Sciences
Classification: Likely benign for TMEM231-related condition. Last evaluated: 2024-07-27. Review status: no assertion criteria provided. Collection method: clinical testing. Allele origin: germline. Not counted in ClinVar's aggregate classification.
Comment: This variant is classified as likely benign based on ACMG/AMP sequence variant interpretation guidelines (Richards et al. 2015 PMID: 25741868, with internal and published modifications).